The following is an entry in ClinVar:

NM_000278.5(PAX2):c.1058A>C (p.Gln353Pro)

Gene: PAX2 (paired box 2; plus strand). Cytogenetic location: 10q24.31.
Variant type: single nucleotide variant.
Coding change: c.1058A>C on transcript NM_000278.5 (MANE Select); coding-DNA position 1058, A replaced by C.
Protein change: p.Gln353Pro; replaces glutamine 353 with proline.
Molecular consequence: missense variant.
Genome position (GRCh38, 1-based): chr10:100,827,045, A>C. VCF-style: chr10-100827045-A-C. GRCh37 (hg19) VCF-style: chr10-102586802-A-C.
Other names: c.1151A>C, p.Gln384Pro (NM_001304569.2); c.1127A>C, p.Gln376Pro (NM_003987.5, NM_003990.5); c.1141A>C, p.Ser381Arg (NM_003988.5); c.1058A>C, p.Gln353Pro (NM_003989.5); short protein forms Q353P, Q376P, Q384P, S381R.
Identifiers: ClinVar variation 1077009 (VCV001077009.9), dbSNP rs201021899, ClinGen allele CA5650992.

ClinVar aggregate classification (germline): Benign/Likely benign. Review status: criteria provided, multiple submitters, no conflicts (2 of 4 stars). 4 submissions from 4 submitters: Benign (1); Likely benign (1). 2 of the submissions do not count toward it. Last evaluated 2025-12-15.

Conditions:
PAX2-Related Disorder. Also called: PAX2-related disorders. Identifiers: MedGen CN381309.
Focal segmental glomerulosclerosis 7 (FSGS7). Identifiers: Orphanet 656, MedGen C4014925, MONDO:0014451, OMIM 616002.
Renal coloboma syndrome (PAPRS). Also called: OPTIC COLOBOMA, VESICOURETERAL REFLUX, AND RENAL ANOMALIES; OPTIC NERVE COLOBOMA WITH RENAL DISEASE; RENAL-COLOBOMA SYNDROME WITH MACULAR ABNORMALITIES; CAKUT WITH OR WITHOUT OCULAR ABNORMALITIES; COLOBOMA OF OPTIC NERVE WITH RENAL DISEASE; PAPILLORENAL SYNDROME. Identifiers: Orphanet 1475, MedGen C1852759, MONDO:0007352, OMIM 120330.

Allele frequency attached by ClinVar (database versions not stated): gnomAD 0.00003 and 0.00007; TOPMed 0.00004; gnomAD exomes 0.00013 and 0.00018; ExAC 0.00021; 1000 Genomes Project 30x 0.00031; 1000 Genomes Project 0.00040.
gnomAD v4.1: 198 of 1,613,552 alleles (0.012%); highest among the groups gnomAD compares: East Asian, 0.43%; 3 homozygotes.

Submissions (4):

Labcorp Genetics (formerly Invitae), Labcorp
Classification: Likely benign for Renal coloboma syndrome; Focal segmental glomerulosclerosis 7. Last evaluated: 2025-12-15. Review status: criteria provided, single submitter. Criteria: Invitae Variant Classification Sherloc (09022015). Collection method: clinical testing. Allele origin: germline.

Blueprint Genetics
Classification: Benign. Last evaluated: 2022-06-24. Review status: criteria provided, single submitter. Criteria: ACMG Guidelines, 2015. Collection method: clinical testing. Allele origin: germline.

PreventionGenetics, part of Exact Sciences
Classification: Likely benign for PAX2-related condition. Last evaluated: 2020-01-22. Review status: no assertion criteria provided. Collection method: clinical testing. Allele origin: germline. Not counted in ClinVar's aggregate classification.
Comment: This variant is classified as likely benign based on ACMG/AMP sequence variant interpretation guidelines (Richards et al. 2015 PMID: 25741868, with internal and published modifications).

Precision Medicine Center, Zhengzhou University
Classification: Likely pathogenic for Renal coloboma syndrome. Review status: flagged submission. Criteria: ACMG Guidelines, 2015. Collection method: research. Allele origin: germline. Affected: yes. Not counted in ClinVar's aggregate classification.
Comment: PM1:Located in well-established functional domain PP1:Cosegregation with disease in multiple affected family members PP3:Multiple lines of computational evidence support a deleterious effect on the gene or gene product PP4:Patient's phenotype is highly specific for a disease PP5:Reputable source recently reports variant as pathogenic
ClinVar note: Reason: Claim with insufficient supporting evidence